The following is an entry in ClinVar:

ClinVar aggregate classification (germline): Uncertain significance (1 of 4 stars; one submission).

Submission:

Labcorp Genetics (formerly Invitae), Labcorp
Classification: Uncertain significance. Last evaluated: 2025-10-08. Review status: criteria provided, single submitter. Criteria: Invitae Variant Classification Sherloc (09022015). Collection method: clinical testing. Allele origin: germline.
Comment: This variant, c.52_57del, results in the deletion of 2 amino acid(s) of the KL protein (p.Ser18_Leu19del), but otherwise preserves the integrity of the reading frame. The frequency data for this variant in the population databases is considered unreliable, as metrics indicate insufficient coverage at this position in the gnomAD database. This variant has not been reported in the literature in individuals affected with KL-related conditions. Experimental studies and prediction algorithms are not available or were not evaluated, and the functional significance of this variant is currently unknown. In summary, the available evidence is currently insufficient to determine the role of this variant in disease. Therefore, it has been classified as a Variant of Uncertain Significance.

NM_004795.4(KL):c.46TCGCTG[1] (p.16SL[1])

Gene: KL (klotho; plus strand). Cytogenetic location: 13q13.1.
Variant type: Microsatellite.
Coding change: c.46TCGCTG[1] on transcript NM_004795.4 (MANE Select); one copy of the 6-base unit TCGCTG starting at c.46; the reference has two copies in a row; one copy, 6 bases deleted.
Protein change: p.16SL[1].
Molecular consequence: inframe deletion.
Genome position (GRCh38, 1-based): chr13:33,016,492-33,016,497, TCGCTG deleted; deleting any 6 consecutive bases within chr13:33,016,485-33,016,497 gives the same sequence; the position shown is the placement nearest the transcript's 3' end. VCF-style (leftmost placement, unchanged base first): chr13-33016484-CGTCGCT-C. GRCh37 (hg19) VCF-style: chr13-33590622-CGTCGCT-C.
Identifiers: ClinVar variation 2780901 (VCV002780901.3), dbSNP rs767552117, ClinGen allele CA697428188.